The following is an entry in ClinVar:

ClinVar aggregate classification (germline): Uncertain significance. Review status: criteria provided, multiple submitters, no conflicts (2 of 4 stars). 2 submissions from 2 submitters: Uncertain significance (2). Last evaluated 2025-08-25.

Conditions:
Giant axonal neuropathy 1 (GAN1). Also called: GIANT AXONAL NEUROPATHY 1, AUTOSOMAL RECESSIVE; GAN-Related Neurodegeneration. Identifiers: Orphanet 643, MedGen C1850386, MONDO:0009749, OMIM 256850.
Inborn genetic diseases. Identifiers: MedGen C0950123, MeSH D030342.

Allele frequency attached by ClinVar (database versions not stated): TOPMed 0.00001; gnomAD exomes 0.00002 and 0.00004; ExAC 0.00003; gnomAD 0.00003; ESP Exome Variant Server 0.00008.
gnomAD v4.1: 55 of 1,613,982 alleles (0.0034%); highest among the groups gnomAD compares: Non-Finnish European, 0.0045%; no homozygotes.

Submissions (2):

Ambry Genetics
Classification: Uncertain significance for Inborn genetic diseases. Last evaluated: 2025-08-25. Review status: criteria provided, single submitter. Criteria: Ambry Variant Classification Scheme 2023. Collection method: clinical testing. Allele origin: germline.

Labcorp Genetics (formerly Invitae), Labcorp
Classification: Uncertain significance for Giant axonal neuropathy 1. Last evaluated: 2022-08-13. Review status: criteria provided, single submitter. Criteria: Invitae Variant Classification Sherloc (09022015). Collection method: clinical testing. Allele origin: germline.
Comment: This sequence change replaces histidine, which is basic and polar, with arginine, which is basic and polar, at codon 160 of the GAN protein (p.His160Arg). This variant is present in population databases (rs373474009, gnomAD 0.004%). This variant has not been reported in the literature in individuals affected with GAN-related conditions. ClinVar contains an entry for this variant (Variation ID: 465397). Algorithms developed to predict the effect of missense changes on protein structure and function (SIFT, PolyPhen-2, Align-GVGD) all suggest that this variant is likely to be tolerated. In summary, the available evidence is currently insufficient to determine the role of this variant in disease. Therefore, it has been classified as a Variant of Uncertain Significance.

NM_022041.4(GAN):c.479A>G (p.His160Arg)

Gene: GAN (gigaxonin; plus strand). Cytogenetic location: 16q23.2.
Variant type: single nucleotide variant.
Coding change: c.479A>G on transcript NM_022041.4 (MANE Select); coding-DNA position 479, A replaced by G.
Protein change: p.His160Arg; replaces histidine 160 with arginine.
Molecular consequence: missense variant. On other transcripts: 5 prime UTR variant (1).
Genome position (GRCh38, 1-based): chr16:81,354,601, A>G. VCF-style: chr16-81354601-A-G. GRCh37 (hg19) VCF-style: chr16-81388206-A-G.
Other names: c.-161A>G (NM_001377486.1); short protein forms H160R.
Identifiers: ClinVar variation 465397 (VCV000465397.10), dbSNP rs373474009, ClinGen allele CA8191374.
Genomic context (GRCh38, chr16:81,354,601, plus strand): 5'-TTGCACTACATTACTGCCTCCATCACGTTCATTACCTTGCCACAGAATACCTGGAGACTC[A>G]TTTCCGAGACGTCAGCAGCACGGAAGAATTCTTAGAGCTGAGTCCTCAAAAGCTTAAAGA-3'
Protein context (NP_071324.1, residues 150-170): HYLATEYLET[His160Arg]FRDVSSTEEF